The following is an entry in ClinVar:

ClinVar aggregate classification (germline): Benign/Likely benign. Review status: criteria provided, multiple submitters, no conflicts (2 of 4 stars). 9 submissions from 8 submitters: Benign (6); Likely benign (2). 1 of the submissions does not count toward it. Last evaluated 2026-01-26.

Conditions:
Exostoses, multiple, type 1 (EXT1). Also called: EXOSTOSES, MULTIPLE, TYPE I; Hereditary Multiple Osteochondromatosis, Type I. Identifiers: MedGen CN263289, MONDO:0007585, OMIM 133700.
Exostoses, multiple, type 2 (EXT2). Also called: EXOSTOSES, MULTIPLE, TYPE II; Hereditary Multiple Osteochondromatosis, Type II. Identifiers: Orphanet 321, MedGen C1851413, MONDO:0007586, OMIM 133701.

Allele frequency attached by ClinVar (database versions not stated): gnomAD exomes 0.00131 and 0.00342; ExAC 0.00423; 1000 Genomes Project 0.01298; gnomAD 0.01371 and 0.01478; 1000 Genomes Project 30x 0.01515; TOPMed 0.01561; ESP Exome Variant Server 0.01661.
gnomAD v4.1: 4,048 of 1,614,112 alleles (0.25%); highest among the groups gnomAD compares: African/African-American, 4.9%; 92 homozygotes.

Submissions (9):

Labcorp Genetics (formerly Invitae), Labcorp
Classification: Benign for Exostoses, multiple, type 2. Last evaluated: 2026-01-26. Review status: criteria provided, single submitter. Criteria: Invitae Variant Classification Sherloc (09022015). Collection method: clinical testing. Allele origin: germline.

KCCC/NGS Laboratory, Kuwait Cancer Control Center
Classification: Benign for Exostoses, multiple, type 2. Last evaluated: 2025-02-01. Review status: criteria provided, single submitter. Criteria: ACMG Guidelines, 2015. Collection method: clinical testing. Allele origin: germline. Affected: no.

KCCC/NGS Laboratory, Kuwait Cancer Control Center
Classification: Benign for Exostoses, multiple, type 1. Last evaluated: 2023-07-07. Review status: criteria provided, single submitter. Criteria: ACMG Guidelines, 2015. Collection method: clinical testing. Allele origin: germline. Affected: yes.

GeneDx
Classification: Benign. Last evaluated: 2020-10-21. Review status: criteria provided, single submitter. Criteria: GeneDx Variant Classification Process June 2021. Collection method: clinical testing. Allele origin: germline. Affected: yes.

Center for Pediatric Genomic Medicine, Children's Mercy Hospital and Clinics
Classification: Benign. Last evaluated: 2017-05-04. Review status: criteria provided, single submitter. Criteria: ACMG Guidelines, 2015. Collection method: clinical testing. Allele origin: germline.

Illumina Laboratory Services, Illumina
Classification: Likely benign for Exostoses, multiple, type 2. Last evaluated: 2017-04-27. Review status: criteria provided, single submitter. Criteria: ICSL Variant Classification Criteria 13 December 2019. Collection method: clinical testing. Allele origin: germline.
Comment: This variant was observed as part of a predisposition screen in an ostensibly healthy population. A literature search was performed for the gene, cDNA change, and amino acid change (where applicable). Publications were found based on this search. The evidence from the literature, in combination with allele frequency data from public databases where available, was sufficient to determine this variant is unlikely to cause disease. Therefore, this variant is classified as likely benign.

Breakthrough Genomics
Classification: Likely benign. Review status: criteria provided, single submitter. Criteria: ACMG Guidelines, 2015. Collection method: not provided. Allele origin: germline. Inheritance: Autosomal recessive inheritance. Affected: yes.

PreventionGenetics, part of Exact Sciences
Classification: Benign. Review status: criteria provided, single submitter. Criteria: ACMG Guidelines, 2015. Collection method: clinical testing. Allele origin: germline.

ITMI
No classification provided. Condition: AllHighlyPenetrant. Last evaluated: 2013-09-19. Review status: no classification provided. Collection method: reference population. Allele origin: germline. Not counted in ClinVar's aggregate classification.
Comment: Please see associated publication for description of ethnicities

Literature cited by the submitters: PubMed 23262345 (cited by Illumina Laboratory Services, Illumina); PubMed 24728327 (cited by ITMI).

NM_207122.2(EXT2):c.124A>G (p.Met42Val)

Gene: EXT2 (exostosin glycosyltransferase 2; plus strand). Cytogenetic location: 11p11.2.
Variant type: single nucleotide variant.
Coding change: c.124A>G on transcript NM_207122.2 (MANE Select); coding-DNA position 124, A replaced by G.
Protein change: p.Met42Val; replaces methionine 42 with valine.
Molecular consequence: missense variant.
Genome position (GRCh38, 1-based): chr11:44,107,836, A>G. VCF-style: chr11-44107836-A-G. GRCh37 (hg19) VCF-style: chr11-44129386-A-G.
Other names: c.223A>G, p.Met75Val (NM_000401.3); c.124A>G, p.Met42Val (NM_001178083.3, NM_001389628.1, NM_001389630.1); short protein forms M42V, M75V.
Identifiers: ClinVar variation 134207 (VCV000134207.22), dbSNP rs4755779, ClinGen allele CA159126.